The following is an entry in ClinVar:

ClinVar aggregate classification (germline): Uncertain significance (1 of 4 stars; one submission).

Submission:

GeneDx
Classification: Uncertain significance. Last evaluated: 2026-01-28. Review status: criteria provided, single submitter. Criteria: GeneDx Variant Classification Process June 2021. Collection method: clinical testing. Allele origin: germline.
Comment: Not observed at significant frequency in large population cohorts (gnomAD); In silico analysis suggests that this missense variant does not alter protein structure/function; Has not been previously published as pathogenic or benign to our knowledge

NM_001145073.3(USP27X):c.769A>G (p.Ile257Val)

Gene: USP27X (ubiquitin specific peptidase 27 X-linked; plus strand). Cytogenetic location: Xp11.23.
Variant type: single nucleotide variant.
Coding change: c.769A>G on transcript NM_001145073.3 (MANE Select); coding-DNA position 769, A replaced by G.
Protein change: p.Ile257Val; replaces isoleucine 257 with valine.
Molecular consequence: missense variant.
Genome position (GRCh38, 1-based): chrX:49,881,076, A>G. VCF-style: chrX-49881076-A-G. GRCh37 (hg19) VCF-style: chrX-49645679-A-G.
Other names: short protein forms I257V.
Identifiers: ClinVar variation 4975460 (VCV004975460.1).